The following is an entry in ClinVar:

ClinVar aggregate classification (germline): Benign/Likely benign. Review status: criteria provided, multiple submitters, no conflicts (2 of 4 stars). 5 submissions from 5 submitters: Benign (1); Likely benign (3). 1 of the submissions does not count toward it. Last evaluated 2026-01-27.

Conditions:
DEGS1-related disorder. Also called: DEGS1-related condition.
Inborn genetic diseases. Identifiers: MedGen C0950123, MeSH D030342.

Allele frequency attached by ClinVar (database versions not stated): 1000 Genomes Project 0.00100; ExAC 0.00136; 1000 Genomes Project 30x 0.00141; gnomAD 0.00183 and 0.00193; gnomAD exomes 0.00183 and 0.00240; TOPMed 0.00184.

Submissions (5):

Labcorp Genetics (formerly Invitae), Labcorp
Classification: Benign. Last evaluated: 2026-01-27. Review status: criteria provided, single submitter. Criteria: Invitae Variant Classification Sherloc (09022015). Collection method: clinical testing. Allele origin: germline.

Blueprint Genetics
Classification: Likely benign. Last evaluated: 2024-11-26. Review status: criteria provided, single submitter. Criteria: ACMG Guidelines, 2015. Collection method: clinical testing. Allele origin: germline.

CeGaT Center for Human Genetics Tuebingen
Classification: Likely benign. Last evaluated: 2024-11-01. Review status: criteria provided, single submitter. Criteria: CeGaT Center For Human Genetics Tuebingen Variant Classification Criteria Version 2. Collection method: clinical testing. Allele origin: germline. Affected: yes. Observed: 2 variant alleles.
Comment: DEGS1: BS2

Ambry Genetics
Classification: Likely benign for Inborn genetic diseases. Last evaluated: 2022-04-25. Review status: criteria provided, single submitter. Criteria: Ambry Variant Classification Scheme 2023. Collection method: clinical testing. Allele origin: germline.

PreventionGenetics, part of Exact Sciences
Classification: Likely benign for DEGS1-related condition. Last evaluated: 2022-06-28. Review status: no assertion criteria provided. Collection method: clinical testing. Allele origin: germline. Not counted in ClinVar's aggregate classification.
Comment: This variant is classified as likely benign based on ACMG/AMP sequence variant interpretation guidelines (Richards et al. 2015 PMID: 25741868, with internal and published modifications).

NM_003676.4(DEGS1):c.27C>A (p.Asp9Glu)

Gene: DEGS1 (delta 4-desaturase, sphingolipid 1; plus strand). Cytogenetic location: 1q42.11.
Variant type: single nucleotide variant.
Coding change: c.27C>A on transcript NM_003676.4 (MANE Select); coding-DNA position 27, C replaced by A.
Protein change: p.Asp9Glu; replaces aspartic acid 9 with glutamic acid.
Molecular consequence: missense variant.
Genome position (GRCh38, 1-based): chr1:224,183,363, C>A. VCF-style: chr1-224183363-C-A. GRCh37 (hg19) VCF-style: chr1-224371065-C-A.
Other names: c.27C>A (NM_003676.2, NM_003676.3); c.27C>A, p.Asp9Glu (NM_001321541.2); short protein forms D9E.
Identifiers: ClinVar variation 1164141 (VCV001164141.32), dbSNP rs201220123, ClinGen allele CA1413567.
Genomic context (GRCh38, chr1:224,183,363, plus strand): 5'-GCCGACAGCTAGTCTGCAAGCCACCGCTGTCGCCATGGGGAGCCGCGTCTCGCGGGAAGA[C>A]TTCGAGTGGGTCTACACCGACCAGCCGCACGCCGACCGGCGCCGGGAGATCCTGGGTGAG-3'
Protein context (NP_003667.1, residues 1-19): MGSRVSRE[Asp9Glu]FEWVYTDQPH